The following is an entry in ClinVar:

ClinVar aggregate classification (germline): Likely pathogenic (1 of 4 stars; one submission).

Conditions:
Susceptibility to severe COVID-19.

Submission:

Molecular Medicine Center, Medical University of Sofia
Classification: Likely pathogenic for Susceptibility to severe COVID-19. Last evaluated: 2024-07-22. Review status: criteria provided, single submitter. Criteria: ACMG Guidelines, 2015. Collection method: research. Allele origin: germline. Affected: yes.
Comment: Novel (unreported in gnomAD or dbSNP until April 2024) variant found in severely infected COVID-19 Bulgarian patients in a research study. Variant is classified as likely pathogenic according to the ACMG criteria: PM2,PVS1.

NM_001039706.3(CFAP69):c.340_341del (p.Ile114fs)

Gene: CFAP69 (cilia and flagella associated protein 69; plus strand). Cytogenetic location: 7q21.13.
Variant type: Microsatellite.
Coding change: c.340_341del on transcript NM_001039706.3 (MANE Select); coding-DNA positions 340 to 341, 2 bases deleted (AT; older notation c.340_341delAT).
Protein change: p.Ile114fs; shifts the reading frame from isoleucine 114.
Molecular consequence: frameshift variant.
Genome position (GRCh38, 1-based): chr7:90,262,040-90,262,041, AT deleted; deleting any 2 consecutive bases within chr7:90,262,038-90,262,041 gives the same sequence; the c. name uses the placement nearest the transcript's 3' end. VCF-style (leftmost placement, unchanged base first): chr7-90262037-GAT-G. GRCh37 (hg19) VCF-style: chr7-89891351-GAT-G.
Other names: c.340_341del, p.Ile114fs (NM_001160138.2, NM_001363438.1); c.340_341delAT (NM_001039706.3); short protein forms I114fs.
Identifiers: ClinVar variation 3256949 (VCV003256949.1).